The following is an entry in ClinVar:

NM_002150.3(HPD):c.978C>G (p.Tyr326Ter)

Genes: HPD (4-hydroxyphenylpyruvate dioxygenase; minus strand), TIALD (transcript inducer of AURKA lysosomal degradation; plus strand). Cytogenetic location: 12q24.31.
Variant type: single nucleotide variant.
Coding change: c.978C>G on transcript NM_002150.3 (MANE Select); coding-DNA position 978, C replaced by G.
Protein change: p.Tyr326Ter; replaces tyrosine 326 with a stop codon.
Molecular consequence: nonsense.
Genome position (GRCh38, 1-based): chr12:121,840,025, G>C on the plus strand (C>G on the coding strand, the complement: HPD is on the minus strand). VCF-style: chr12-121840025-G-C. GRCh37 (hg19) VCF-style: chr12-122277931-G-C.
Other names: c.861C>G, p.Tyr287Ter (NM_001171993.2); short protein forms Y287*, Y326*.
Identifiers: ClinVar variation 1331493 (VCV001331493.1), dbSNP rs781659195, ClinGen allele CA6839452.

ClinVar aggregate classification (germline): Uncertain significance (1 of 4 stars; one submission).

Allele frequency attached by ClinVar (database versions not stated): TOPMed below 0.00001.
gnomAD v4.1: 2 of 1,613,290 alleles (0.00012%); highest among the groups gnomAD compares: Non-Finnish European, 0.00017%; no homozygotes.

Submission:

Women's Health and Genetics/Laboratory Corporation of America, LabCorp
Classification: Uncertain significance. Last evaluated: 2021-12-28. Review status: criteria provided, single submitter. Criteria: LabCorp Variant Classification Summary - May 2015. Collection method: clinical testing. Allele origin: germline.
Comment: Variant summary: HPD c.978C>G (p.Tyr326X) located in the penultimate exon (exon 13) results in a premature termination codon predicted to cause a truncation of the encoded protein or absence of the protein due to nonsense mediated decay, which are commonly known mechanisms for disease. Truncations downstream of this position have not been classified as pathogenic by our laboratory and have not been reported in the HGMD or locus specific databases. The variant allele was found at a frequency of 8e-06 in 251450 control chromosomes. The available data on variant occurrences in the general population are insufficient to allow any conclusion about variant significance. To our knowledge, no occurrence of c.978C>G in individuals affected with Tyrosinemia Type 3 and no experimental evidence demonstrating its impact on protein function have been reported. No clinical diagnostic laboratories have submitted clinical-significance assessments for this variant to ClinVar after 2014. Based on the evidence outlined above, the variant was classified as uncertain significance.